The following is an entry in ClinVar:

NM_000530.8(MPZ):c.103G>T (p.Asp35Tyr)

Gene: MPZ (myelin protein zero; minus strand). Cytogenetic location: 1q23.3.
Variant type: single nucleotide variant.
Coding change: c.103G>T on transcript NM_000530.8 (MANE Select); coding-DNA position 103, G replaced by T.
Protein change: p.Asp35Tyr; replaces aspartic acid 35 with tyrosine.
Molecular consequence: missense variant.
Genome position (GRCh38, 1-based): chr1:161,307,389, C>A on the plus strand (G>T on the coding strand, the complement: MPZ is on the minus strand). VCF-style: chr1-161307389-C-A. GRCh37 (hg19) VCF-style: chr1-161277179-C-A.
Other names: D6Y; c.103G>T, p.Asp35Tyr (NM_001315491.2, LRG_256t1); short protein forms D35Y.
Identifiers: ClinVar variation 14183 (VCV000014183.13), dbSNP rs121913596, ClinGen allele CA250638.
Genomic context (GRCh38, chr1:161,307,389, plus strand): 5'-TGGACCAGAAGGAGCAGTGCAGGGTCACCCGGGAGCCCACAGCACCATGGACCTCCCTGT[C>A]GGTGTAAACCACGATGGCCTGGGCCGGGGACAGCACTGCAAGCACAAAGTGGGGAATCAG-3'
Protein context (NP_000521.2, residues 25-45): SPAQAIVVYT[Asp35Tyr]REVHGAVGSR

ClinVar aggregate classification (germline): Pathogenic/Likely pathogenic. Review status: criteria provided, multiple submitters, no conflicts (2 of 4 stars). 4 submissions from 4 submitters: Pathogenic (1); Likely pathogenic (2). 1 of the submissions does not count toward it. Last evaluated 2023-04-22.

Conditions:
Charcot-Marie-Tooth disease, type I (CMT1). Also called: Charcot-Marie-Tooth, Type 1; Charcot-Marie-Tooth disease type 1. Identifiers: Orphanet 65753, MedGen C0751036, MONDO:0019011.
Charcot-Marie-Tooth disease. Also called: Charcot-Marie-Tooth Hereditary Neuropathy; Charcot-Marie-Tooth Neuropathy. Identifiers: Orphanet 166, MedGen C0007959, MONDO:0015626.
Charcot-Marie-Tooth disease dominant intermediate D. Also called: Charcot-Marie-Tooth disease dominant intermediate 3; CMT DI3; CHARCOT-MARIE-TOOTH NEUROPATHY, DOMINANT INTERMEDIATE D. Identifiers: Orphanet 100046, MedGen C1843075, MONDO:0011909, OMIM 607791.

Submissions (4):

Labcorp Genetics (formerly Invitae), Labcorp
Classification: Pathogenic for Charcot-Marie-Tooth disease, type I. Last evaluated: 2023-04-22. Review status: criteria provided, single submitter. Criteria: Invitae Variant Classification Sherloc (09022015). Collection method: clinical testing. Allele origin: germline.
Comment: This variant is not present in population databases (gnomAD no frequency). This sequence change replaces aspartic acid, which is acidic and polar, with tyrosine, which is neutral and polar, at codon 35 of the MPZ protein (p.Asp35Tyr). This missense change has been observed in individual(s) with clinical features of Charcot-Marie-Tooth disease (PMID: 10406984, 32376792). It has also been observed to segregate with disease in related individuals. For these reasons, this variant has been classified as Pathogenic. Experimental studies have shown that this missense change affects MPZ function (PMID: 26406915). Advanced modeling of protein sequence and biophysical properties (such as structural, functional, and spatial information, amino acid conservation, physicochemical variation, residue mobility, and thermodynamic stability) performed at Invitae indicates that this missense variant is not expected to disrupt MPZ protein function. ClinVar contains an entry for this variant (Variation ID: 14183). This variant is also known as Asp6Tyr.

GeneDx
Classification: Likely pathogenic. Last evaluated: 2021-04-06. Review status: criteria provided, single submitter. Criteria: GeneDx Variant Classification Process June 2021. Collection method: clinical testing. Allele origin: germline. Affected: yes.
Comment: Reported previously in a Japanese CMT registry; however, no further information is available (Hattori et al., 2003); Missense variants in this gene are often considered pathogenic (Stenson et al., 2014); In silico analysis supports that this missense variant has a deleterious effect on protein structure/function; Not observed in large population cohorts (Lek et al., 2016); This variant is associated with the following publications: (PMID: 32376792, 33179255, 12477701, 26406915, 10406984)

Molecular Genetics Laboratory, London Health Sciences Centre
Classification: Likely pathogenic for Charcot-Marie-Tooth disease. Review status: criteria provided, single submitter. Criteria: ACMG Guidelines, 2015. Collection method: clinical testing. Allele origin: germline. Affected: yes.

OMIM
Classification: Pathogenic for CHARCOT-MARIE-TOOTH DISEASE, DOMINANT INTERMEDIATE D. Last evaluated: 1999-08-01. Review status: no assertion criteria provided. Collection method: literature only. Allele origin: germline. Not counted in ClinVar's aggregate classification.

Literature cited by the submitters: PubMed 10406984 (cited by Labcorp Genetics (formerly Invitae), Labcorp and OMIM); PubMed 32376792 (cited by Labcorp Genetics (formerly Invitae), Labcorp); PubMed 26406915 (cited by Labcorp Genetics (formerly Invitae), Labcorp).